The following is an entry in ClinVar:

ClinVar aggregate classification (germline): Likely benign (1 of 4 stars; one submission).

Submission:

CeGaT Center for Human Genetics Tuebingen
Classification: Likely benign. Last evaluated: 2026-06-01. Review status: criteria provided, single submitter. Criteria: CeGaT Center For Human Genetics Tuebingen Variant Classification Criteria Version 2. Collection method: clinical testing. Allele origin: germline. Affected: yes. Observed: 1 variant allele.
Comment: PRR12: BP4, BP7

NM_020719.3(PRR12):c.1371C>T (p.Tyr457=)

Gene: PRR12 (proline rich 12; plus strand). Cytogenetic location: 19q13.33.
Variant type: single nucleotide variant.
Coding change: c.1371C>T on transcript NM_020719.3 (MANE Select); coding-DNA position 1371, C replaced by T.
Protein change: p.Tyr457=; no amino-acid change (tyrosine 457 retained).
Molecular consequence: synonymous variant.
Genome position (GRCh38, 1-based): chr19:49,595,706, C>T. VCF-style: chr19-49595706-C-T. GRCh37 (hg19) VCF-style: chr19-50098963-C-T.
Identifiers: ClinVar variation 4873580 (VCV004873580.2).